The following is an entry in ClinVar:

NM_001035.3(RYR2):c.7144A>G (p.Ile2382Val)

Gene: RYR2 (ryanodine receptor 2; plus strand). Cytogenetic location: 1q43.
Variant type: single nucleotide variant.
Coding change: c.7144A>G on transcript NM_001035.3 (MANE Select); coding-DNA position 7144, A replaced by G.
Protein change: p.Ile2382Val; replaces isoleucine 2382 with valine.
Molecular consequence: missense variant.
Genome position (GRCh38, 1-based): chr1:237,640,925, A>G. VCF-style: chr1-237640925-A-G. GRCh37 (hg19) VCF-style: chr1-237804225-A-G.
Other names: c.7144A>G (NM_001035.2); short protein forms I2382V.
Identifiers: ClinVar variation 928414 (VCV000928414.6), dbSNP rs1179831023, ClinGen allele CA345396606.
Genomic context (GRCh38, chr1:237,640,925, plus strand): 5'-GCTTTCTCTTTCTTTTGAAACATTCATGAAAGTGACACAGAGGAGGAGGAAGATGACACT[A>G]TCCACATGGGGAACGCGATCATGACCTTCTATTCAGCTTTGATTGACCTCTTGGGACGCT-3'
Protein context (NP_001026.2, residues 2372-2392): LDTEEEEDDT[Ile2382Val]HMGNAIMTFY

ClinVar aggregate classification (germline): Uncertain significance. Review status: criteria provided, multiple submitters, no conflicts (2 of 4 stars). 2 submissions from 2 submitters: Uncertain significance (2). Last evaluated 2024-03-07.

Conditions:
Cardiovascular phenotype. Identifiers: MedGen CN230736.
Cardiomyopathy (CMYO). Also called: Cardiomyopathies. Identifiers: Orphanet 167848, MedGen C0878544, MONDO:0004994, HP:0001638. Inheritance: Various modes of inheritance.

Allele frequency attached by ClinVar (database versions not stated): TOPMed 0.00001.

Submissions (2):

Color Diagnostics, LLC DBA Color Health
Classification: Uncertain significance for Cardiomyopathy. Last evaluated: 2024-03-07. Review status: criteria provided, single submitter. Criteria: ACMG Guidelines, 2015. Collection method: clinical testing. Allele origin: germline.
Comment: This missense variant replaces isoleucine with valine at codon 2382 of the RYR2 protein. Computational prediction tool suggests that this variant may not impact protein structure and function (internally defined REVEL score threshold <=0.5, PMID: 27666373). Splice site prediction tools suggest that this variant may not impact RNA splicing. To our knowledge, functional studies have not been performed for this variant. This variant has not been reported in individuals affected with cardiovascular disorders in the literature. This variant has not been identified in the general population by the Genome Aggregation Database (gnomAD). The available evidence is insufficient to determine the role of this variant in disease conclusively. Therefore, this variant is classified as a Variant of Uncertain Significance.

Ambry Genetics
Classification: Uncertain significance for Cardiovascular phenotype. Last evaluated: 2023-08-07. Review status: criteria provided, single submitter. Criteria: Ambry Variant Classification Scheme 2023. Collection method: clinical testing. Allele origin: germline.
Comment: The p.I2382V variant (also known as c.7144A>G), located in coding exon 47 of the RYR2 gene, results from an A to G substitution at nucleotide position 7144. The isoleucine at codon 2382 is replaced by valine, an amino acid with highly similar properties. This amino acid position is well conserved in available vertebrate species. In addition, the in silico prediction for this alteration is inconclusive. Since supporting evidence is limited at this time, the clinical significance of this alteration remains unclear.